The following is an entry in ClinVar:

ClinVar aggregate classification (germline): Benign. Review status: criteria provided, multiple submitters, no conflicts (2 of 4 stars). 3 submissions from 3 submitters: Benign (2). 1 of the submissions does not count toward it. Last evaluated 2018-07-17.

Conditions:
DHX34-related disorder. Also called: DHX34-related condition.

Allele frequency attached by ClinVar (database versions not stated): 1000 Genomes Project 30x 0.00265; 1000 Genomes Project 0.00280; TOPMed 0.00629; gnomAD 0.00707 and 0.00733; gnomAD exomes 0.00764 and 0.00925; ExAC 0.00845; ESP Exome Variant Server 0.00846.
gnomAD v4.1: 14,467 of 1,612,996 alleles (0.9%); highest among the groups gnomAD compares: Non-Finnish European, 1.1%; 97 homozygotes.

Submissions (3):

Labcorp Genetics (formerly Invitae), Labcorp
Classification: Benign. Last evaluated: 2018-07-17. Review status: criteria provided, single submitter. Criteria: Invitae Variant Classification Sherloc (09022015). Collection method: clinical testing. Allele origin: germline.

Breakthrough Genomics
Classification: Benign. Review status: criteria provided, single submitter. Criteria: ACMG Guidelines, 2015. Collection method: not provided. Allele origin: germline. Inheritance: Unknown mechanism. Affected: yes.

PreventionGenetics, part of Exact Sciences
Classification: Benign for DHX34-related condition. Last evaluated: 2019-11-01. Review status: no assertion criteria provided. Collection method: clinical testing. Allele origin: germline. Not counted in ClinVar's aggregate classification.
Comment: This variant is classified as benign based on ACMG/AMP sequence variant interpretation guidelines (Richards et al. 2015 PMID: 25741868, with internal and published modifications).

NM_014681.6(DHX34):c.1863C>T (p.Ser621=)

Gene: DHX34 (DExH-box helicase 34; plus strand). Cytogenetic location: 19q13.32.
Variant type: single nucleotide variant.
Coding change: c.1863C>T on transcript NM_014681.6 (MANE Select); coding-DNA position 1863, C replaced by T.
Protein change: p.Ser621=; no amino-acid change (serine 621 retained).
Molecular consequence: synonymous variant.
Genome position (GRCh38, 1-based): chr19:47,372,824, C>T. VCF-style: chr19-47372824-C-T. GRCh37 (hg19) VCF-style: chr19-47876081-C-T.
Identifiers: ClinVar variation 791481 (VCV000791481.6), dbSNP rs117334188, ClinGen allele CA9538253.